The following is an entry in ClinVar:

NM_005732.4(RAD50):c.2922+5T>C

Gene: RAD50 (RAD50 double strand break repair protein; plus strand). Cytogenetic location: 5q31.1.
Variant type: single nucleotide variant.
Coding change: c.2922+5T>C on transcript NM_005732.4 (MANE Select); 5 bases into the intron after coding-DNA position 2922, T replaced by C.
Molecular consequence: intron variant.
Genome position (GRCh38, 1-based): chr5:132,609,214, T>C. VCF-style: chr5-132609214-T-C. GRCh37 (hg19) VCF-style: chr5-131944906-T-C.
Identifiers: ClinVar variation 2128790 (VCV002128790.4), dbSNP rs1304809549, ClinGen allele CA804012624.

ClinVar aggregate classification (germline): Uncertain significance (1 of 4 stars; one submission).

Conditions:
Hereditary cancer-predisposing syndrome. Also called: Hereditary neoplastic syndrome; Tumor predisposition; Hereditary Cancer Syndrome; Neoplastic Syndromes, Hereditary. Identifiers: Orphanet 140162, MedGen C0027672, MeSH D009386, MONDO:0015356.

Allele frequency attached by ClinVar (database versions not stated): TOPMed below 0.00001; gnomAD 0.00001.
gnomAD v4.1: 1 of 1,609,554 alleles (0.000062%); highest among the groups gnomAD compares: Non-Finnish European, 0.000085%; no homozygotes.

Submission:

Labcorp Genetics (formerly Invitae), Labcorp
Classification: Uncertain significance for Hereditary cancer-predisposing syndrome. Last evaluated: 2022-12-02. Review status: criteria provided, single submitter. Criteria: Invitae Variant Classification Sherloc (09022015). Collection method: clinical testing. Allele origin: germline.
Comment: Variants that disrupt the consensus splice site are a relatively common cause of aberrant splicing (PMID: 17576681, 9536098). Algorithms developed to predict the effect of sequence changes on RNA splicing suggest that this variant is not likely to affect RNA splicing. This variant has not been reported in the literature in individuals affected with RAD50-related conditions. This variant is not present in population databases (gnomAD no frequency). This sequence change falls in intron 18 of the RAD50 gene. It does not directly change the encoded amino acid sequence of the RAD50 protein. It affects a nucleotide within the consensus splice site. In summary, the available evidence is currently insufficient to determine the role of this variant in disease. Therefore, it has been classified as a Variant of Uncertain Significance.

Literature cited by the submitters: PubMed 17576681; PubMed 9536098.